The following is an entry in ClinVar:

ClinVar aggregate classification (germline): Pathogenic (1 of 4 stars; one submission).

Submission:

GeneDx
Classification: Pathogenic. Last evaluated: 2018-05-25. Review status: criteria provided, single submitter. Criteria: GeneDx Variant Classification (06012015). Collection method: clinical testing. Allele origin: germline. Affected: yes.
Comment: The c.5294_5298delTTTTT variant in the SCN1A gene has not been reported previously as a pathogenic variant nor as a benign variant, to our knowledge. The c.5294_5298delTTTTT variant causes a frameshift starting with codon Phenylalanine, changes this amino acid to a Cysteine residue, and creates a premature Stop codon at position 28 of the new reading frame, denoted p.Phe1765CysfsX28 . This variant is predicted to cause loss of normal protein function through protein truncation. The c.5294_5298delTTTTT variant is not observed in large population cohorts (Lek et al., 2016). We interpret c.5294_5298delTTTTT as a pathogenic variant.

NM_001165963.4(SCN1A):c.5294_5298del (p.Phe1765fs)

Genes: SCN1A (sodium voltage-gated channel alpha subunit 1; minus strand), LOC102724058 (uncharacterized LOC102724058; plus strand). Cytogenetic location: 2q24.3.
Variant type: Deletion.
Coding change: c.5294_5298del on transcript NM_001165963.4 (MANE Select); coding-DNA positions 5294 to 5298, 5 bases deleted (TTTTT; older notation c.5294_5298delTTTTT).
Protein change: p.Phe1765fs; shifts the reading frame from phenylalanine 1765.
Molecular consequence: frameshift variant. On other transcripts: non-coding transcript variant (1).
Genome position (GRCh38, 1-based): chr2:165,991,977-165,991,981, AAAAA deleted on the plus strand (TTTTT on the coding strand, the reverse complement: SCN1A is on the minus strand); deleting any 5 consecutive bases within chr2:165,991,977-165,991,982 gives the same sequence; the c. name uses the placement nearest the transcript's 3' end. VCF-style (leftmost placement, unchanged base first): chr2-165991976-CAAAAA-C. GRCh37 (hg19) VCF-style: chr2-166848486-CAAAAA-C.
Other names: c.5210_5214del, p.Phe1737fs (NM_001165964.3, NM_001353957.2, NM_001353958.2); c.5294_5298del, p.Phe1765fs (NM_001202435.3, NM_001353948.2); c.5261_5265del, p.Phe1754fs (NM_001353949.2, NM_001353950.2, NM_001353951.2 and 2 more transcripts); c.5258_5262del, p.Phe1753fs (NM_001353954.2, NM_001353955.2); c.5207_5211del, p.Phe1736fs (NM_001353960.2); c.2852_2856del, p.Phe951fs (NM_001353961.2); short protein forms F1737fs, F1753fs, F1765fs, F951fs, F1736fs, F1754fs.
Identifiers: ClinVar variation 817682 (VCV000817682.1), dbSNP rs794726832, ClinGen allele CA915942866.